The following is an entry in ClinVar:

NM_022095.4(ZNF335):c.1217T>G (p.Val406Gly)

Gene: ZNF335 (zinc finger protein 335; minus strand). Cytogenetic location: 20q13.12.
Variant type: single nucleotide variant.
Coding change: c.1217T>G on transcript NM_022095.4 (MANE Select); coding-DNA position 1217, T replaced by G.
Protein change: p.Val406Gly; replaces valine 406 with glycine.
Molecular consequence: missense variant.
Genome position (GRCh38, 1-based): chr20:45,963,876, A>C on the plus strand (T>G on the coding strand, the complement: ZNF335 is on the minus strand). VCF-style: chr20-45963876-A-C. GRCh37 (hg19) VCF-style: chr20-44592515-A-C.
Other names: short protein forms V406G.
Identifiers: ClinVar variation 1336503 (VCV001336503.7), dbSNP rs141949131, ClinGen allele CA9885802.

ClinVar aggregate classification (germline): Uncertain significance. Review status: criteria provided, multiple submitters, no conflicts (2 of 4 stars). 3 submissions from 3 submitters: Uncertain significance (3). Last evaluated 2026-06-10.

Allele frequency attached by ClinVar (database versions not stated): ExAC 0.00017; gnomAD exomes 0.00022; gnomAD 0.00034 and 0.00036; 1000 Genomes Project 0.00040; 1000 Genomes Project 30x 0.00047; TOPMed 0.00071.
gnomAD v4.1: 246 of 1,606,790 alleles (0.015%); highest among the groups gnomAD compares: Admixed American, 0.12%; no homozygotes.

Submissions (3):

Women's Health and Genetics/Laboratory Corporation of America, LabCorp
Classification: Uncertain significance. Last evaluated: 2026-06-10. Review status: criteria provided, single submitter. Criteria: LabCorp Variant Classification Summary - May 2015. Collection method: clinical testing. Allele origin: germline.
Comment: Variant summary: ZNF335 c.1217T>G (p.Val406Gly) results in a non-conservative amino acid change in the encoded protein sequence. Algorithms developed to predict the effect of missense changes on protein structure and function are either unavailable or do not agree on the potential impact of this missense change. The variant allele was found at a frequency of 0.00022 in 245190 control chromosomes. This frequency is not significantly higher than estimated for disease-causing variants in ZNF335, allowing no conclusion about variant significance. To our knowledge, no occurrence of c.1217T>G in individuals affected with ZNF335-related conditions and no experimental evidence demonstrating its impact on protein function have been reported. ClinVar contains an entry for this variant (Variation ID: 1336503). Based on the evidence outlined above, the variant was classified as uncertain significance.

Labcorp Genetics (formerly Invitae), Labcorp
Classification: Uncertain significance. Last evaluated: 2022-08-09. Review status: criteria provided, single submitter. Criteria: Invitae Variant Classification Sherloc (09022015). Collection method: clinical testing. Allele origin: germline.
Comment: This sequence change replaces valine, which is neutral and non-polar, with glycine, which is neutral and non-polar, at codon 406 of the ZNF335 protein (p.Val406Gly). This variant is present in population databases (rs141949131, gnomAD 0.07%). This variant has not been reported in the literature in individuals affected with ZNF335-related conditions. ClinVar contains an entry for this variant (Variation ID: 1336503). Algorithms developed to predict the effect of missense changes on protein structure and function (SIFT, PolyPhen-2, Align-GVGD) all suggest that this variant is likely to be tolerated. Algorithms developed to predict the effect of sequence changes on RNA splicing suggest that this variant may disrupt the consensus splice site. In summary, the available evidence is currently insufficient to determine the role of this variant in disease. Therefore, it has been classified as a Variant of Uncertain Significance.

Genetic Services Laboratory, University of Chicago
Classification: Uncertain significance. Last evaluated: 2018-01-25. Review status: criteria provided, single submitter. Criteria: ACMG Guidelines, 2015. Collection method: clinical testing. Allele origin: germline. Affected: no.